The following is an entry in ClinVar:

NM_032383.5(HPS3):c.245A>G (p.Lys82Arg)

Gene: HPS3 (HPS3 biogenesis of lysosomal organelles complex 2 subunit 1; plus strand). Cytogenetic location: 3q24.
Variant type: single nucleotide variant.
Coding change: c.245A>G on transcript NM_032383.5 (MANE Select); coding-DNA position 245, A replaced by G.
Protein change: p.Lys82Arg; replaces lysine 82 with arginine.
Molecular consequence: missense variant. On other transcripts: intron variant (1).
Genome position (GRCh38, 1-based): chr3:149,140,031, A>G. VCF-style: chr3-149140031-A-G. GRCh37 (hg19) VCF-style: chr3-148857818-A-G.
Other names: c.245A>G (NM_032383.4); c.218-986A>G (NM_001308258.2); short protein forms K82R.
Identifiers: ClinVar variation 2084086 (VCV002084086.2), dbSNP rs150645715, ClinGen allele CA2659763.

ClinVar aggregate classification (germline): Conflicting classifications of pathogenicity. Review status: criteria provided, conflicting classifications (1 of 4 stars). 2 submissions from 2 submitters: Uncertain significance (1); Likely benign (1). Last evaluated 2026-04-11.

Conditions:
HPS3-related disorder. Also called: HPS3-related condition.

Allele frequency attached by ClinVar (database versions not stated): gnomAD exomes 0.00004; 1000 Genomes Project 30x 0.00016; ExAC 0.00016; 1000 Genomes Project 0.00020; ESP Exome Variant Server 0.00046; gnomAD 0.00050; TOPMed 0.00063.
gnomAD v4.1: 146 of 1,613,500 alleles (0.009%); highest among the groups gnomAD compares: African/African-American, 0.17%; no homozygotes.

Submissions (2):

PreventionGenetics, part of Exact Sciences
Classification: Likely benign for HPS3-related condition. Last evaluated: 2026-04-11. Review status: criteria provided, single submitter. Criteria: ACMG Guidelines, 2015. Collection method: clinical testing. Allele origin: germline.
Comment: This variant is classified as likely benign based on ACMG/AMP sequence variant interpretation guidelines (Richards et al. 2015 PMID: 25741868, with internal and published modifications).

Labcorp Genetics (formerly Invitae), Labcorp
Classification: Uncertain significance. Last evaluated: 2022-07-07. Review status: criteria provided, single submitter. Criteria: Invitae Variant Classification Sherloc (09022015). Collection method: clinical testing. Allele origin: germline.
Comment: This sequence change replaces lysine, which is basic and polar, with arginine, which is basic and polar, at codon 82 of the HPS3 protein (p.Lys82Arg). This variant is present in population databases (rs150645715, gnomAD 0.2%). This variant has not been reported in the literature in individuals affected with HPS3-related conditions. Algorithms developed to predict the effect of missense changes on protein structure and function are either unavailable or do not agree on the potential impact of this missense change (SIFT: "Tolerated"; PolyPhen-2: "Probably Damaging"; Align-GVGD: "Class C0"). In summary, the available evidence is currently insufficient to determine the role of this variant in disease. Therefore, it has been classified as a Variant of Uncertain Significance.